The following is an entry in ClinVar:

NM_017514.5(PLXNA3):c.1586C>T (p.Pro529Leu)

Gene: PLXNA3 (plexin A3; plus strand). Cytogenetic location: Xq28.
Variant type: single nucleotide variant.
Coding change: c.1586C>T on transcript NM_017514.5 (MANE Select); coding-DNA position 1586, C replaced by T.
Protein change: p.Pro529Leu; replaces proline 529 with leucine.
Molecular consequence: missense variant.
Genome position (GRCh38, 1-based): chrX:154,463,989, C>T. VCF-style: chrX-154463989-C-T. GRCh37 (hg19) VCF-style: chrX-153692332-C-T.
Other names: short protein forms P529L.
Identifiers: ClinVar variation 2617830 (VCV002617830.3), dbSNP rs1235451586, ClinGen allele CA415235901.

ClinVar aggregate classification (germline): Uncertain significance. Review status: criteria provided, multiple submitters, no conflicts (2 of 4 stars). 2 submissions from 2 submitters: Uncertain significance (2). Last evaluated 2024-12-23.

Conditions:
PLXNA3-related disorder. Also called: PLXNA3-related condition.

Allele frequency attached by ClinVar (database versions not stated): gnomAD exomes 0.00001; gnomAD 0.00005.
gnomAD v4.1: 11 of 1,199,315 alleles (0.00092%); highest among the groups gnomAD compares: African/African-American, 0.014%; no homozygotes.

Submissions (2):

PreventionGenetics, part of Exact Sciences
Classification: Uncertain significance for PLXNA3-related condition. Last evaluated: 2024-12-23. Review status: criteria provided, single submitter. Criteria: ACMG Guidelines, 2015. Collection method: clinical testing. Allele origin: germline.
Comment: The PLXNA3 c.1586C>T variant is predicted to result in the amino acid substitution p.Pro529Leu. To our knowledge, this variant has not been reported in the literature. This variant is reported in 0.012% of alleles in individuals of African descent, including one hemizygous individual, in gnomAD. Although we suspect that this variant may be benign, at this time, the clinical significance of this variant is uncertain due to the absence of conclusive functional and genetic evidence.

Ambry Genetics
Classification: Uncertain significance. Last evaluated: 2023-08-10. Review status: criteria provided, single submitter. Criteria: Ambry Variant Classification Scheme 2023. Collection method: clinical testing. Allele origin: germline.